The following is an entry in ClinVar:

NM_001384140.1(PCDH15):c.1102_1103del (p.Glu368fs)

Gene: PCDH15 (protocadherin related 15; minus strand). Cytogenetic location: 10q21.1.
Variant type: Deletion.
Coding change: c.1102_1103del on transcript NM_001384140.1 (MANE Select); coding-DNA positions 1102 to 1103, 2 bases deleted (GA; older notation c.1102_1103delGA).
Protein change: p.Glu368fs; shifts the reading frame from glutamic acid 368.
Molecular consequence: frameshift variant.
Genome position (GRCh38, 1-based): chr10:54,195,885-54,195,886, TC deleted on the plus strand (GA on the coding strand, the reverse complement: PCDH15 is on the minus strand). VCF-style (leftmost placement, unchanged base first): chr10-54195884-TTC-T. GRCh37 (hg19) VCF-style: chr10-55955644-TTC-T.
Other names: c.1117_1118del, p.Glu373fs (NM_001142763.2, NM_001142771.2); c.1102_1103del, p.Glu368fs (NM_001142764.2, NM_001142765.2, NM_001142766.2 and 7 more transcripts); c.991_992del, p.Glu331fs (NM_001142767.2); c.1036_1037del, p.Glu346fs (NM_001142768.2, NM_001142773.2, NM_001354404.2); c.1117_1118delGA, p.Glu373Thrfs (NM_001142769.4); short protein forms E331fs, E346fs, E368fs, E373fs.
Identifiers: ClinVar variation 1724992 (VCV001724992.2), dbSNP rs2539684506, ClinGen allele CA2580081643.

ClinVar aggregate classification (germline): Likely pathogenic (1 of 4 stars; one submission).

Conditions:
Usher syndrome type 1D (USH1D). Also called: USHER SYNDROME, TYPE ID. Identifiers: Orphanet 231169, Orphanet 886, MedGen C1832845, MONDO:0010984, OMIM 601067.

Submission:

Myriad Genetics, Inc.
Classification: Likely pathogenic for Usher syndrome type 1D. Last evaluated: 2022-03-04. Review status: criteria provided, single submitter. Criteria: Myriad Women's Health Autosomal Recessive and X-Linked Classification Criteria (2021). Collection method: clinical testing. Allele origin: unknown.
Comment: NM_033056.3(PCDH15):c.1102_1103delGA(E368Tfs*16) is expected to be pathogenic in the context of PCDH15-related disorders. This variant is predicted to lead to an abnormal or absent protein product due to the creation of a premature termination codon in PCDH15, a gene where loss-of-function variants are known to be pathogenic. Please note: this variant was assessed in the context of healthy population screening.